The following is an entry in ClinVar:

NM_005612.5(REST):c.2183C>G (p.Pro728Arg)

Gene: REST (RE1 silencing transcription factor; plus strand). Cytogenetic location: 4q12.
Variant type: single nucleotide variant.
Coding change: c.2183C>G on transcript NM_005612.5 (MANE Select); coding-DNA position 2183, C replaced by G.
Protein change: p.Pro728Arg; replaces proline 728 with arginine.
Molecular consequence: missense variant.
Genome position (GRCh38, 1-based): chr4:56,931,041, C>G. VCF-style: chr4-56931041-C-G. GRCh37 (hg19) VCF-style: chr4-57797207-C-G.
Other names: c.2183C>G, p.Pro728Arg (NM_001193508.2, NM_001363453.3); short protein forms P728R.
Identifiers: ClinVar variation 1986507 (VCV001986507.4), dbSNP rs750612169, ClinGen allele CA2932425.

ClinVar aggregate classification (germline): Uncertain significance (1 of 4 stars; one submission).

Allele frequency attached by ClinVar (database versions not stated): ExAC 0.00001; gnomAD exomes 0.00001.
gnomAD v4.1: 4 of 1,613,874 alleles (0.00025%); highest among the groups gnomAD compares: Non-Finnish European, 0.00034%; no homozygotes.

Submission:

Labcorp Genetics (formerly Invitae), Labcorp
Classification: Uncertain significance. Last evaluated: 2022-11-28. Review status: criteria provided, single submitter. Criteria: Invitae Variant Classification Sherloc (09022015). Collection method: clinical testing. Allele origin: germline.
Comment: In summary, the available evidence is currently insufficient to determine the role of this variant in disease. Therefore, it has been classified as a Variant of Uncertain Significance. Algorithms developed to predict the effect of missense changes on protein structure and function (SIFT, PolyPhen-2, Align-GVGD) all suggest that this variant is likely to be tolerated. This variant has not been reported in the literature in individuals affected with REST-related conditions. This variant is present in population databases (rs750612169, gnomAD 0.0009%). This sequence change replaces proline, which is neutral and non-polar, with arginine, which is basic and polar, at codon 728 of the REST protein (p.Pro728Arg).